The following is an entry in ClinVar:

NM_033225.6(CSMD1):c.516C>T (p.Leu172=)

Gene: CSMD1 (CUB and Sushi multiple domains 1; minus strand). Cytogenetic location: 8p23.2.
Variant type: single nucleotide variant.
Coding change: c.516C>T on transcript NM_033225.6 (MANE Select); coding-DNA position 516, C replaced by T.
Protein change: p.Leu172=; no amino-acid change (leucine 172 retained).
Molecular consequence: synonymous variant.
Genome position (GRCh38, 1-based): chr8:4,031,999, G>A on the plus strand (C>T on the coding strand, the complement: CSMD1 is on the minus strand). VCF-style: chr8-4031999-G-A. GRCh37 (hg19) VCF-style: chr8-3889521-G-A.
Other names: c.516C>T (NM_033225.5).
Identifiers: ClinVar variation 2583059 (VCV002583059.26), dbSNP rs149086811, ClinGen allele CA4609624.

ClinVar aggregate classification (germline): Benign. Review status: criteria provided, single submitter (1 of 4 stars). 2 submissions from 2 submitters: Benign (1). 1 of the submissions does not count toward it. Last evaluated 2023-09-01.

Conditions:
CSMD1-related disorder. Also called: CSMD1-related condition.

Allele frequency attached by ClinVar (database versions not stated): 1000 Genomes Project 0.00359; 1000 Genomes Project 30x 0.00390; ESP Exome Variant Server 0.00393; TOPMed 0.00462.
gnomAD v4.1: 1,261 of 1,613,914 alleles (0.078%); highest among the groups gnomAD compares: African/African-American, 1.5%; 9 homozygotes.

Submissions (2):

CeGaT Center for Human Genetics Tuebingen
Classification: Benign. Last evaluated: 2023-09-01. Review status: criteria provided, single submitter. Criteria: CeGaT Center For Human Genetics Tuebingen Variant Classification Criteria Version 2. Collection method: clinical testing. Allele origin: germline. Affected: yes. Observed: 1 variant allele.
Comment: CSMD1: BP4, BP7, BS1, BS2

PreventionGenetics, part of Exact Sciences
Classification: Benign for CSMD1-related condition. Last evaluated: 2020-01-13. Review status: no assertion criteria provided. Collection method: clinical testing. Allele origin: germline. Not counted in ClinVar's aggregate classification.
Comment: This variant is classified as benign based on ACMG/AMP sequence variant interpretation guidelines (Richards et al. 2015 PMID: 25741868, with internal and published modifications).